The following is an entry in ClinVar:

ClinVar aggregate classification (germline): Conflicting classifications of pathogenicity. Review status: criteria provided, conflicting classifications (1 of 4 stars). 7 submissions from 7 submitters: Uncertain significance (6); Likely benign (1). Last evaluated 2026-07-30.

Conditions:
Melanoma, cutaneous malignant, susceptibility to, 1 (CMM1). Also called: B-K MOLE SYNDROME; DYSPLASTIC NEVUS SYNDROME, HEREDITARY; FAMILIAL ATYPICAL MOLE-MALIGNANT MELANOMA SYNDROME; MELANOMA, MALIGNANT. Identifiers: Orphanet 618, MedGen C1835047, MONDO:0007963, OMIM 155600.
Hereditary cancer-predisposing syndrome. Also called: Hereditary Cancer Syndrome; Tumor predisposition; Hereditary neoplastic syndrome; Neoplastic Syndromes, Hereditary. Identifiers: Orphanet 140162, MedGen C0027672, MeSH D009386, MONDO:0015356.
Peutz-Jeghers syndrome (PJS). Also called: Peutz-Jeghers polyposis; Periorificial lentiginosis syndrome; POLYPOSIS, HAMARTOMATOUS INTESTINAL; POLYPS-AND-SPOTS SYNDROME. Identifiers: Orphanet 2869, MedGen C0031269, MeSH D010580, MONDO:0008280, OMIM 175200.

Allele frequency attached by ClinVar (database versions not stated): gnomAD exomes below 0.00001.
gnomAD v4.1: 3 of 1,567,668 alleles (0.00019%); highest among the groups gnomAD compares: Non-Finnish European, 0.00026%; no homozygotes.

Submissions (7):

Ambry Genetics
Classification: Likely benign for Hereditary cancer-predisposing syndrome. Last evaluated: 2026-07-30. Review status: criteria provided, single submitter. Criteria: Ambry Variant Classification Scheme 2023. Collection method: clinical testing. Allele origin: germline.

Labcorp Genetics (formerly Invitae), Labcorp
Classification: Uncertain significance for Peutz-Jeghers syndrome. Last evaluated: 2025-08-20. Review status: criteria provided, single submitter. Criteria: Invitae Variant Classification Sherloc (09022015). Collection method: clinical testing. Allele origin: germline.
Comment: This sequence change replaces lysine, which is basic and polar, with asparagine, which is neutral and polar, at codon 296 of the STK11 protein (p.Lys296Asn). This variant is not present in population databases (gnomAD no frequency). This variant has not been reported in the literature in individuals affected with STK11-related conditions. ClinVar contains an entry for this variant (Variation ID: 565529). Invitae Evidence Modeling of protein sequence and biophysical properties (such as structural, functional, and spatial information, amino acid conservation, physicochemical variation, residue mobility, and thermodynamic stability) indicates that this missense variant is not expected to disrupt STK11 protein function with a negative predictive value of 95%. In summary, the available evidence is currently insufficient to determine the role of this variant in disease. Therefore, it has been classified as a Variant of Uncertain Significance.

Quest Diagnostics Nichols Institute San Juan Capistrano
Classification: Uncertain significance. Last evaluated: 2025-03-06. Review status: criteria provided, single submitter. Criteria: Quest Diagnostics criteria. Collection method: clinical testing. Allele origin: unknown.
Comment: The STK11 c.888G>T (p.Lys296Asn) variant has not been reported in individuals with STK11-related conditions in the published literature. It also has not been reported in large, multi-ethnic general populations (Genome Aggregation Database). Analysis of this variant using bioinformatics tools for the prediction of the effect of amino acid changes on protein structure and function yielded conflicting predictions that this variant is deleterious or benign. Based on the available information, we are unable to determine the clinical significance of this variant.

Color Diagnostics, LLC DBA Color Health
Classification: Uncertain significance for Hereditary cancer-predisposing syndrome. Last evaluated: 2024-03-07. Review status: criteria provided, single submitter. Criteria: ACMG Guidelines, 2015. Collection method: clinical testing. Allele origin: germline.
Comment: This missense variant replaces lysine with asparagine at codon 296 of the STK11 protein. Computational prediction suggests that this variant may not impact protein structure and function (internally defined REVEL score threshold <= 0.5, PMID: 27666373). To our knowledge, functional studies have not been reported for this variant. This variant has not been reported in individuals affected with hereditary cancer in the literature. This variant has not been identified in the general population by the Genome Aggregation Database (gnomAD). The available evidence is insufficient to determine the role of this variant in disease conclusively. Therefore, this variant is classified as a Variant of Uncertain Significance.

All of Us Research Program, National Institutes of Health
Classification: Uncertain significance for Peutz-Jeghers syndrome. Last evaluated: 2023-07-19. Review status: criteria provided, single submitter. Criteria: ACMG Guidelines, 2015. Collection method: clinical testing. Allele origin: germline. Inheritance: Autosomal dominant inheritance. Observed: 3 variant alleles, 3 heterozygotes.
Comment: This missense variant replaces lysine with asparagine at codon 296 of the STK11 protein. Computational prediction suggests that this variant may not impact protein structure and function (internally defined REVEL score threshold <= 0.5, PMID: 27666373). To our knowledge, functional studies have not been reported for this variant. This variant has not been reported in individuals affected with hereditary cancer in the literature. This variant has not been identified in the general population by the Genome Aggregation Database (gnomAD). The available evidence is insufficient to determine the role of this variant in disease conclusively. Therefore, this variant is classified as a Variant of Uncertain Significance.

This study involves interpretation of variants in research participants for the purpose of population health screening. Participant phenotype was not available at the time of variant classification. Additional details can be found in publication PMID: 35346344, PMCID: PMC8962531

Baylor Genetics
Classification: Uncertain significance for Melanoma, cutaneous malignant, susceptibility to, 1. Last evaluated: 2023-06-10. Review status: criteria provided, single submitter. Criteria: ACMG Guidelines, 2015. Collection method: clinical testing. Allele origin: unknown.

Genome-Nilou Lab
Classification: Uncertain significance for Peutz-Jeghers syndrome. Last evaluated: 2021-07-15. Review status: criteria provided, single submitter. Criteria: ACMG Guidelines, 2015. Collection method: clinical testing. Allele origin: germline. Affected: no.

NM_000455.5(STK11):c.888G>T (p.Lys296Asn)

Gene: STK11 (serine/threonine kinase 11; plus strand). Cytogenetic location: 19p13.3.
Variant type: single nucleotide variant.
Coding change: c.888G>T on transcript NM_000455.5 (MANE Select); coding-DNA position 888, G replaced by T.
Protein change: p.Lys296Asn; replaces lysine 296 with asparagine.
Molecular consequence: missense variant.
Genome position (GRCh38, 1-based): chr19:1,221,974, G>T. VCF-style: chr19-1221974-G-T. GRCh37 (hg19) VCF-style: chr19-1221973-G-T.
Other names: short protein forms K296N.
Identifiers: ClinVar variation 565529 (VCV000565529.20), dbSNP rs1555738868, ClinGen allele CA402951234.
Genomic context (GRCh38, chr19:1,221,974, plus strand): 5'-CCCAGCTGACAGGCTCCTCGCCGGCTTCTCCTCAGGGATGCTTGAGTACGAACCGGCCAA[G>T]AGGTTCTCCATCCGGCAGATCCGGCAGCACAGGTGAGCGGCCCCTGGGGGCAGTGGGGCC-3'
Protein context (NP_000446.1, residues 286-306): LKGMLEYEPA[Lys296Asn]RFSIRQIRQH